The following is an entry in ClinVar:

NM_014754.3(PTDSS1):c.738C>G (p.His246Gln)

Gene: PTDSS1 (phosphatidylserine synthase 1; plus strand). Cytogenetic location: 8q22.1.
Variant type: single nucleotide variant.
Coding change: c.738C>G on transcript NM_014754.3 (MANE Select); coding-DNA position 738, C replaced by G.
Protein change: p.His246Gln; replaces histidine 246 with glutamine.
Molecular consequence: missense variant.
Genome position (GRCh38, 1-based): chr8:96,299,831, C>G. VCF-style: chr8-96299831-C-G. GRCh37 (hg19) VCF-style: chr8-97312059-C-G.
Other names: c.300C>G, p.His100Gln (NM_001290225.2); short protein forms H100Q, H246Q.
Identifiers: ClinVar variation 3220652 (VCV003220652.3), dbSNP rs1017730495, ClinGen allele CA181505298.

ClinVar aggregate classification (germline): Uncertain significance. Review status: criteria provided, multiple submitters, no conflicts (2 of 4 stars). 2 submissions from 2 submitters: Uncertain significance (2). Last evaluated 2024-06-24.

Conditions:
Inborn genetic diseases. Identifiers: MedGen C0950123, MeSH D030342.

Allele frequency attached by ClinVar (database versions not stated): gnomAD exomes below 0.00001; TOPMed below 0.00001.
gnomAD v4.1: 3 of 1,610,984 alleles (0.00019%); highest among the groups gnomAD compares: African/African-American, 0.0013%; no homozygotes.

Submissions (2):

Labcorp Genetics (formerly Invitae), Labcorp
Classification: Uncertain significance. Last evaluated: 2024-06-24. Review status: criteria provided, single submitter. Criteria: Invitae Variant Classification Sherloc (09022015). Collection method: clinical testing. Allele origin: germline.
Comment: This sequence change replaces histidine, which is basic and polar, with glutamine, which is neutral and polar, at codon 246 of the PTDSS1 protein (p.His246Gln). This variant is not present in population databases (gnomAD no frequency). This variant has not been reported in the literature in individuals affected with PTDSS1-related conditions. Advanced modeling of protein sequence and biophysical properties (such as structural, functional, and spatial information, amino acid conservation, physicochemical variation, residue mobility, and thermodynamic stability) performed at Invitae indicates that this missense variant is not expected to disrupt PTDSS1 protein function with a negative predictive value of 80%. In summary, the available evidence is currently insufficient to determine the role of this variant in disease. Therefore, it has been classified as a Variant of Uncertain Significance.

Ambry Genetics
Classification: Uncertain significance for Inborn genetic diseases. Last evaluated: 2023-10-17. Review status: criteria provided, single submitter. Criteria: Ambry Variant Classification Scheme 2023. Collection method: clinical testing. Allele origin: germline.